The following is an entry in ClinVar:

NM_002742.3(PRKD1):c.956A>G (p.Asn319Ser)

Gene: PRKD1 (protein kinase D1; minus strand). Cytogenetic location: 14q12.
Variant type: single nucleotide variant.
Coding change: c.956A>G on transcript NM_002742.3 (MANE Select); coding-DNA position 956, A replaced by G.
Protein change: p.Asn319Ser; replaces asparagine 319 with serine.
Molecular consequence: missense variant.
Genome position (GRCh38, 1-based): chr14:29,638,518, T>C on the plus strand (A>G on the coding strand, the complement: PRKD1 is on the minus strand). VCF-style: chr14-29638518-T-C. GRCh37 (hg19) VCF-style: chr14-30107724-T-C.
Other names: c.980A>G, p.Asn327Ser (NM_001330069.2); c.692A>G, p.Asn231Ser (NM_001348390.1); short protein forms N319S, N327S, N231S.
Identifiers: ClinVar variation 5005315 (VCV005005315.2).

ClinVar aggregate classification (germline): Uncertain significance (1 of 4 stars; one submission).

Conditions:
Congenital heart defects and ectodermal dysplasia (CHDED). Identifiers: MedGen C4479250, MONDO:0044303, OMIM 617364.

Submission:

Juno Genomics, Hangzhou Juno Genomics, Inc
Classification: Uncertain significance for Congenital heart defects and ectodermal dysplasia. Review status: criteria provided, single submitter. Criteria: ACMG Guidelines, 2015. Collection method: clinical testing. Allele origin: germline.
Comment: Absent from controls (or at extremely low frequency if recessive) in Genome Aggregation Database.